The following is an entry in ClinVar:

ClinVar aggregate classification (germline): Uncertain significance (1 of 4 stars; one submission).

Conditions:
Familial thoracic aortic aneurysm and aortic dissection (TAAD). Also called: Thoracic aortic aneurysms and dissections. Identifiers: Orphanet 91387, MedGen C4707243, MONDO:0019625.

gnomAD v4.1: 2 of 1,612,788 alleles (0.00012%); highest among the groups gnomAD compares: Non-Finnish European, 0.00017%; no homozygotes.

Submission:

Ambry Genetics
Classification: Uncertain significance for Familial thoracic aortic aneurysm and aortic dissection. Last evaluated: 2025-03-04. Review status: criteria provided, single submitter. Criteria: Ambry Variant Classification Scheme 2023. Collection method: clinical testing. Allele origin: germline.
Comment: The p.Y1677F variant (also known as c.5030A>T), located in coding exon 27 of the NOTCH1 gene, results from an A to T substitution at nucleotide position 5030. The tyrosine at codon 1677 is replaced by phenylalanine, an amino acid with highly similar properties. This amino acid position is conserved. In addition, this alteration is predicted to be tolerated by in silico analysis. Based on the available evidence, the clinical significance of this variant remains unclear.

NM_017617.5(NOTCH1):c.5030A>T (p.Tyr1677Phe)

Gene: NOTCH1 (notch receptor 1; minus strand). Cytogenetic location: 9q34.3.
Variant type: single nucleotide variant.
Coding change: c.5030A>T on transcript NM_017617.5 (MANE Select); coding-DNA position 5030, A replaced by T.
Protein change: p.Tyr1677Phe; replaces tyrosine 1677 with phenylalanine.
Molecular consequence: missense variant.
Genome position (GRCh38, 1-based): chr9:136,503,319, T>A on the plus strand (A>T on the coding strand, the complement: NOTCH1 is on the minus strand). VCF-style: chr9-136503319-T-A. GRCh37 (hg19) VCF-style: chr9-139397771-T-A.
Other names: short protein forms Y1677F.
Identifiers: ClinVar variation 3880499 (VCV003880499.1).
Genomic context (GRCh38, chr9:136,503,319, plus strand): 5'-GTGGCACTCTGGAAGCACTGCGAGGAGGCCTGCACACACTGCCGGTTGTCAATCTCCAGG[T>A]AGACGATGGAGCTGGGCGGACAATCAGAGAGGGGCTGGGACCCGAGGCTTCCTCCTCCCC-3'
Protein context (NP_060087.3, residues 1667-1687): DPMDVRGSIV[Tyr1677Phe]LEIDNRQCVQ